The following is an entry in ClinVar:

NM_004525.3(LRP2):c.13469G>A (p.Gly4490Glu)

Gene: LRP2 (LDL receptor related protein 2; minus strand). Cytogenetic location: 2q31.1.
Variant type: single nucleotide variant.
Coding change: c.13469G>A on transcript NM_004525.3 (MANE Select); coding-DNA position 13469, G replaced by A.
Protein change: p.Gly4490Glu; replaces glycine 4490 with glutamic acid.
Molecular consequence: missense variant.
Genome position (GRCh38, 1-based): chr2:169,138,626, C>T on the plus strand (G>A on the coding strand, the complement: LRP2 is on the minus strand). VCF-style: chr2-169138626-C-T. GRCh37 (hg19) VCF-style: chr2-169995136-C-T.
Other names: short protein forms G4490E.
Identifiers: ClinVar variation 1386829 (VCV001386829.9), dbSNP rs1282580848, ClinGen allele CA349154905.
Genomic context (GRCh38, chr2:169,138,626, plus strand): 5'-ACCATACTCACCATTGCCATTGACCTGTCAATAGCAGTCTCAGGTCCAAAACCAGACACT[C>T]CAATATCCATGTTAAGATCTGCCCCTGATCTGAAGGTCACCCCATTCCCATTTTCAGAGG-3'
Protein context (NP_004516.2, residues 4480-4500): RSGADLNMDI[Gly4490Glu]VSGFGPETAI

ClinVar aggregate classification (germline): Uncertain significance. Review status: criteria provided, multiple submitters, no conflicts (2 of 4 stars). 2 submissions from 2 submitters: Uncertain significance (2). Last evaluated 2024-03-16.

Conditions:
Donnai-Barrow syndrome. Also called: DBS/FOAR SYNDROME; FACIOOCULOACOUSTICORENAL SYNDROME. Identifiers: Orphanet 2143, MedGen C1857277, MONDO:0009104, OMIM 222448.

Allele frequency attached by ClinVar (database versions not stated): gnomAD 0.00002; TOPMed 0.00002.
gnomAD v4.1: 3 of 1,613,880 alleles (0.00019%); highest among the groups gnomAD compares: African/African-American, 0.004%; no homozygotes.

Submissions (2):

Fulgent Genetics
Classification: Uncertain significance for Donnai-Barrow syndrome. Last evaluated: 2024-03-16. Review status: criteria provided, single submitter. Criteria: ACMG Guidelines, 2015. Collection method: clinical testing. Allele origin: germline.

Labcorp Genetics (formerly Invitae), Labcorp
Classification: Uncertain significance. Last evaluated: 2022-07-06. Review status: criteria provided, single submitter. Criteria: Invitae Variant Classification Sherloc (09022015). Collection method: clinical testing. Allele origin: germline.
Comment: In summary, the available evidence is currently insufficient to determine the role of this variant in disease. Therefore, it has been classified as a Variant of Uncertain Significance. Advanced modeling of protein sequence and biophysical properties (such as structural, functional, and spatial information, amino acid conservation, physicochemical variation, residue mobility, and thermodynamic stability) performed at Invitae indicates that this missense variant is not expected to disrupt LRP2 protein function. ClinVar contains an entry for this variant (Variation ID: 1386829). This variant has not been reported in the literature in individuals affected with LRP2-related conditions. This variant is present in population databases (no rsID available, gnomAD 0.01%). This sequence change replaces glycine, which is neutral and non-polar, with glutamic acid, which is acidic and polar, at codon 4490 of the LRP2 protein (p.Gly4490Glu).